The following is an entry in ClinVar:

NM_001148.6(ANK2):c.8515T>G (p.Cys2839Gly)

Gene: ANK2 (ankyrin 2; plus strand). Cytogenetic location: 4q26.
Variant type: single nucleotide variant.
Coding change: c.8515T>G on transcript NM_001148.6 (MANE Select); coding-DNA position 8515, T replaced by G.
Protein change: p.Cys2839Gly; replaces cysteine 2839 with glycine.
Molecular consequence: missense variant. On other transcripts: intron variant (68).
Genome position (GRCh38, 1-based): chr4:113,357,133, T>G. VCF-style: chr4-113357133-T-G. GRCh37 (hg19) VCF-style: chr4-114278289-T-G.
Other names: c.8281T>G, p.Cys2761Gly (NM_001386142.1); c.4915T>G, p.Cys1639Gly (NM_001386166.1); c.8656T>G, p.Cys2886Gly (NM_001386174.1); c.8632T>G, p.Cys2878Gly (NM_001386175.1); c.4412-3690T>G (NM_001386186.2, NM_001386148.2); c.4214-3690T>G (NM_001354269.3); c.4292-3690T>G (NM_001386187.2); c.4253-3690T>G (NM_001386147.1); and 35 more; short protein forms C2878G, C2886G, C1639G, C2761G, C2839G.
Identifiers: ClinVar variation 1763699 (VCV001763699.6), dbSNP rs751901289, ClinGen allele CA357934223.

ClinVar aggregate classification (germline): Uncertain significance. Review status: criteria provided, multiple submitters, no conflicts (2 of 4 stars). 3 submissions from 3 submitters: Uncertain significance (3). Last evaluated 2024-07-29.

Conditions:
Cardiovascular phenotype. Identifiers: MedGen CN230736.
Long QT syndrome (LQTS). Identifiers: MedGen C0023976, MeSH D008133, MONDO:0002442. Disease mechanism: loss of function. Inheritance: Various modes of inheritance.

Submissions (3):

GeneDx
Classification: Uncertain significance. Last evaluated: 2024-07-29. Review status: criteria provided, single submitter. Criteria: GeneDx Variant Classification Process June 2021. Collection method: clinical testing. Allele origin: germline. Affected: yes.
Comment: Has not been previously published as pathogenic or benign to our knowledge; Not observed at significant frequency in large population cohorts (gnomAD); Located in exon 38, which is reported as being expressed in a brain-specific transcript (PMID: 1830053, 18790697, 26109584); In silico analysis indicates that this missense variant does not alter protein structure/function; This variant is associated with the following publications: (PMID: 1830053, 18790697, 26109584)

Labcorp Genetics (formerly Invitae), Labcorp
Classification: Uncertain significance for Long QT syndrome. Last evaluated: 2023-11-02. Review status: criteria provided, single submitter. Criteria: Invitae Variant Classification Sherloc (09022015). Collection method: clinical testing. Allele origin: germline.
Comment: This sequence change replaces cysteine, which is neutral and slightly polar, with glycine, which is neutral and non-polar, at codon 2839 of the ANK2 protein (p.Cys2839Gly). This variant is not present in population databases (gnomAD no frequency). This variant has not been reported in the literature in individuals affected with ANK2-related conditions. ClinVar contains an entry for this variant (Variation ID: 1763699). An algorithm developed to predict the effect of missense changes on protein structure and function (PolyPhen-2) suggests that this variant is likely to be tolerated. In summary, the available evidence is currently insufficient to determine the role of this variant in disease. Therefore, it has been classified as a Variant of Uncertain Significance.

Ambry Genetics
Classification: Uncertain significance for Cardiovascular phenotype. Last evaluated: 2022-02-17. Review status: criteria provided, single submitter. Criteria: Ambry Variant Classification Scheme 2023. Collection method: clinical testing. Allele origin: germline.
Comment: The p.C2839G variant (also known as c.8515T>G), located in coding exon 38 of the ANK2 gene, results from a T to G substitution at nucleotide position 8515. The cysteine at codon 2839 is replaced by glycine, an amino acid with highly dissimilar properties. This amino acid position is conserved. In addition, this alteration is predicted to be tolerated by in silico analysis. Since supporting evidence is limited at this time, the clinical significance of this alteration remains unclear.